The following is an entry in ClinVar:

NM_003476.5(CSRP3):c.444dup (p.Ile149fs)

Gene: CSRP3 (cysteine and glycine rich protein 3; minus strand). Cytogenetic location: 11p15.1.
Variant type: Duplication.
Coding change: c.444dup on transcript NM_003476.5 (MANE Select); coding-DNA position 444, one base duplicated (C; older notation c.444dupC).
Protein change: p.Ile149fs; shifts the reading frame from isoleucine 149.
Molecular consequence: frameshift variant.
Genome position (GRCh38, 1-based): chr11:19,185,016, G duplicated on the plus strand (C on the coding strand, the reverse complement: CSRP3 is on the minus strand); the first of 2 consecutive G bases (chr11:19,185,016-19,185,017); duplicating either gives the same sequence. VCF-style (leftmost placement, unchanged base first): chr11-19185015-T-TG. GRCh37 (hg19) VCF-style: chr11-19206562-T-TG.
Other names: c.275dup, p.Ser93fs (NM_001369404.1); short protein forms I149fs, S93fs.
Identifiers: ClinVar variation 3752686 (VCV003752686.2).

ClinVar aggregate classification (germline): Pathogenic (1 of 4 stars; one submission).

Conditions:
Dilated cardiomyopathy 1M (CMD1M). Identifiers: Orphanet 154, MedGen C1843808, MONDO:0011840, OMIM 607482.
Hypertrophic cardiomyopathy 12. Identifiers: MedGen C2677491, MONDO:0012804, OMIM 612124.

Submission:

Labcorp Genetics (formerly Invitae), Labcorp
Classification: Pathogenic for Hypertrophic cardiomyopathy 12; Dilated cardiomyopathy 1M. Last evaluated: 2024-06-06. Review status: criteria provided, single submitter. Criteria: Invitae Variant Classification Sherloc (09022015). Collection method: clinical testing. Allele origin: germline.
Comment: This sequence change creates a premature translational stop signal (p.Ile149Hisfs*13) in the CSRP3 gene. While this is not anticipated to result in nonsense mediated decay, it is expected to disrupt the last 46 amino acid(s) of the CSRP3 protein. This variant is not present in population databases (gnomAD no frequency). This variant has not been reported in the literature in individuals affected with CSRP3-related conditions. This variant disrupts a region of the CSRP3 protein in which other variant(s) (p.Cys150Tyr) have been determined to be pathogenic (PMID: 23396983, 25351510, 33035702; Invitae). This suggests that this is a clinically significant region of the protein, and that variants that disrupt it are likely to be disease-causing. For these reasons, this variant has been classified as Pathogenic.

Literature cited by the submitters: PubMed 23396983; PubMed 25351510; PubMed 33035702.